The following is an entry in ClinVar:

ClinVar aggregate classification (germline): Uncertain significance (1 of 4 stars; one submission).

Submission:

Labcorp Genetics (formerly Invitae), Labcorp
Classification: Uncertain significance. Last evaluated: 2023-12-22. Review status: criteria provided, single submitter. Criteria: Invitae Variant Classification Sherloc (09022015). Collection method: clinical testing. Allele origin: germline.
Comment: This sequence change replaces aspartic acid, which is acidic and polar, with valine, which is neutral and non-polar, at codon 1156 of the COL4A1 protein (p.Asp1156Val). This variant is not present in population databases (gnomAD no frequency). This variant has not been reported in the literature in individuals affected with COL4A1-related conditions. An algorithm developed to predict the effect of missense changes on protein structure and function (PolyPhen-2) suggests that this variant is likely to be disruptive. In summary, the available evidence is currently insufficient to determine the role of this variant in disease. Therefore, it has been classified as a Variant of Uncertain Significance.

NM_001845.6(COL4A1):c.3467A>T (p.Asp1156Val)

Gene: COL4A1 (collagen type IV alpha 1 chain; minus strand). Cytogenetic location: 13q34.
Variant type: single nucleotide variant.
Coding change: c.3467A>T on transcript NM_001845.6 (MANE Select); coding-DNA position 3467, A replaced by T.
Protein change: p.Asp1156Val; replaces aspartic acid 1156 with valine.
Molecular consequence: missense variant.
Genome position (GRCh38, 1-based): chr13:110,173,938, T>A on the plus strand (A>T on the coding strand, the complement: COL4A1 is on the minus strand). VCF-style: chr13-110173938-T-A. GRCh37 (hg19) VCF-style: chr13-110826285-T-A.
Other names: short protein forms D1156V.
Identifiers: ClinVar variation 2705001 (VCV002705001.3), dbSNP rs1278223132, ClinGen allele CA388664176.